The following is an entry in ClinVar:

NM_001330063.2(ANKFY1):c.1143T>C (p.Tyr381=)

Gene: ANKFY1 (ankyrin repeat and FYVE domain containing 1; minus strand). Cytogenetic location: 17p13.2.
Variant type: single nucleotide variant.
Coding change: c.1143T>C on transcript NM_001330063.2 (MANE Select); coding-DNA position 1143, T replaced by C.
Protein change: p.Tyr381=; no amino-acid change (tyrosine 381 retained).
Molecular consequence: synonymous variant. On other transcripts: non-coding transcript variant (1).
Genome position (GRCh38, 1-based): chr17:4,195,432, A>G on the plus strand (T>C on the coding strand, the complement: ANKFY1 is on the minus strand). VCF-style: chr17-4195432-A-G. GRCh37 (hg19) VCF-style: chr17-4098727-A-G.
Other names: c.1269T>C, p.Tyr423= (NM_001257999.3); c.1143T>C, p.Tyr381= (NM_016376.5).
Identifiers: ClinVar variation 4989187 (VCV004989187.1).

ClinVar aggregate classification (germline): Likely benign (1 of 4 stars; one submission).

Conditions:
ANKFY1-related disorder. Also called: ANKFY1-related condition.

gnomAD v4.1: 57 of 1,614,020 alleles (0.0035%); highest among the groups gnomAD compares: African/African-American, 0.072%; no homozygotes.

Submission:

PreventionGenetics, part of Exact Sciences
Classification: Likely benign for ANKFY1-related condition. Last evaluated: 2025-01-22. Review status: criteria provided, single submitter. Criteria: ACMG Guidelines, 2015. Collection method: clinical testing. Allele origin: germline.
Comment: This variant is classified as likely benign based on ACMG/AMP sequence variant interpretation guidelines (Richards et al. 2015 PMID: 25741868, with internal and published modifications).